The following is an entry in ClinVar:

NM_032242.4(PLXNA1):c.3064G>C (p.Gly1022Arg)

Gene: PLXNA1 (plexin A1; plus strand). Cytogenetic location: 3q21.3.
Variant type: single nucleotide variant.
Coding change: c.3064G>C on transcript NM_032242.4 (MANE Select); coding-DNA position 3064, G replaced by C.
Protein change: p.Gly1022Arg; replaces glycine 1022 with arginine.
Molecular consequence: missense variant.
Genome position (GRCh38, 1-based): chr3:127,016,566, G>C. VCF-style: chr3-127016566-G-C. GRCh37 (hg19) VCF-style: chr3-126735409-G-C.
Other names: short protein forms G1022R.
Identifiers: ClinVar variation 4998211 (VCV004998211.1).

ClinVar aggregate classification (germline): Uncertain significance (1 of 4 stars; one submission).

Conditions:
PLXNA1-related disorder. Also called: PLXNA1-related condition.

Submission:

PreventionGenetics, part of Exact Sciences
Classification: Uncertain significance for PLXNA1-related condition. Last evaluated: 2025-07-22. Review status: criteria provided, single submitter. Criteria: ACMG Guidelines, 2015. Collection method: clinical testing. Allele origin: germline.
Comment: The PLXNA1 c.3064G>C variant is predicted to result in the amino acid substitution p.Gly1022Arg. To our knowledge, this variant has not been reported in the literature or in a large population database (gnomAD), indicating this variant is rare. At this time, the clinical significance of this variant is uncertain due to the absence of conclusive functional and genetic evidence.